The following is an entry in ClinVar:

ClinVar aggregate classification (germline): Uncertain significance (1 of 4 stars; one submission).

gnomAD v4.1: 2 of 1,612,952 alleles (0.00012%); highest among the groups gnomAD compares: Non-Finnish European, 0.00017%; no homozygotes.

Submission:

Labcorp Genetics (formerly Invitae), Labcorp
Classification: Uncertain significance. Last evaluated: 2024-08-30. Review status: criteria provided, single submitter. Criteria: Invitae Variant Classification Sherloc (09022015). Collection method: clinical testing. Allele origin: germline.
Comment: This sequence change replaces serine, which is neutral and polar, with threonine, which is neutral and polar, at codon 1092 of the MAST1 protein (p.Ser1092Thr). This variant is not present in population databases (gnomAD no frequency). This variant has not been reported in the literature in individuals affected with MAST1-related conditions. An algorithm developed to predict the effect of missense changes on protein structure and function (PolyPhen-2) suggests that this variant is likely to be tolerated. In summary, the available evidence is currently insufficient to determine the role of this variant in disease. Therefore, it has been classified as a Variant of Uncertain Significance.

NM_014975.3(MAST1):c.3275G>C (p.Ser1092Thr)

Gene: MAST1 (microtubule associated serine/threonine kinase 1; plus strand). Cytogenetic location: 19p13.13.
Variant type: single nucleotide variant.
Coding change: c.3275G>C on transcript NM_014975.3 (MANE Select); coding-DNA position 3275, G replaced by C.
Protein change: p.Ser1092Thr; replaces serine 1092 with threonine.
Molecular consequence: missense variant.
Genome position (GRCh38, 1-based): chr19:12,873,335, G>C. VCF-style: chr19-12873335-G-C. GRCh37 (hg19) VCF-style: chr19-12984149-G-C.
Other names: short protein forms S1092T.
Identifiers: ClinVar variation 3689824 (VCV003689824.2).